The following is an entry in ClinVar:

ClinVar aggregate classification (germline): Uncertain significance (1 of 4 stars; one submission).

Conditions:
F8-related disorder. Also called: F8-related condition.

Submission:

PreventionGenetics, part of Exact Sciences
Classification: Uncertain significance for F8-related condition. Last evaluated: 2025-06-16. Review status: criteria provided, single submitter. Criteria: ACMG Guidelines, 2015. Collection method: clinical testing. Allele origin: germline.
Comment: The F8 c.2108A>T variant is predicted to result in the amino acid substitution p.Asn703Ile. To our knowledge, this variant has not been reported in the literature or in a large population database (gnomAD), indicating this variant is rare. Alternate missense changes at the same amino acid position (p.Asn703Asp, p.Asn703Ser, p.Asn703Thr) have been reported in individuals affected with hemophilia (Johnsen et al. 2022. PubMed ID: 35770352, Villarreal-Martínez et al. 2020. PubMed ID: 32224444). At this time, the clinical significance of this variant is uncertain due to the absence of conclusive functional and genetic evidence.

NM_000132.4(F8):c.2108A>T (p.Asn703Ile)

Gene: F8 (coagulation factor VIII; minus strand). Cytogenetic location: Xq28.
Variant type: single nucleotide variant.
Coding change: c.2108A>T on transcript NM_000132.4 (MANE Select); coding-DNA position 2108, A replaced by T.
Protein change: p.Asn703Ile; replaces asparagine 703 with isoleucine.
Molecular consequence: missense variant.
Genome position (GRCh38, 1-based): chrX:154,947,703, T>A on the plus strand (A>T on the coding strand, the complement: F8 is on the minus strand). VCF-style: chrX-154947703-T-A. GRCh37 (hg19) VCF-style: chrX-154175978-T-A.
Other names: short protein forms N703I.
Identifiers: ClinVar variation 4997371 (VCV004997371.1).
Genomic context (GRCh38, chrX:154,947,703, plus strand): 5'-GAATGGCTAGTGAAGCATTCACAGCTGTTGGTACAAGAAAAATATAATAACTAACCTGGG[T>A]TTTCCATCGACATGAAGACAGTTTCTCCTGAGAATGGGAATAGGGTGAGTGTGTCTTCAT-3'
Protein context (NP_000123.1, residues 693-713): SGETVFMSME[Asn703Ile]PGLWILGCHN